The following is an entry in ClinVar:

ClinVar aggregate classification (germline): Conflicting classifications of pathogenicity. Review status: criteria provided, conflicting classifications (1 of 4 stars). 4 submissions from 4 submitters: Uncertain significance (1); Likely benign (3). Last evaluated 2025-12-12.

Conditions:
Imerslund-Grasbeck syndrome type 1 (IGS1). Also called: MEGALOBLASTIC ANEMIA, 1; Imerslund-Gräsbeck syndrome 1; Megaloblastic anemia 1, Finnish type. Identifiers: MedGen C4016819, MONDO:0100156, OMIM 261100.
Imerslund-Grasbeck syndrome. Also called: Megaloblastic anemia due to inborn errors of metabolism; Imerslund-Gräsbeck syndrome; ENTEROCYTE COBALAMIN MALABSORPTION; ENTEROCYTE INTRINSIC FACTOR RECEPTOR, DEFECT OF; PERNICIOUS ANEMIA, JUVENILE, DUE TO SELECTIVE INTESTINAL MALABSORPTION OF VITAMIN B12, WITH PROTEINURIA. Identifiers: Orphanet 35858, MedGen C4551825, MONDO:0009853.

Allele frequency attached by ClinVar (database versions not stated): 1000 Genomes Project 0.00020; 1000 Genomes Project 30x 0.00031; ESP Exome Variant Server 0.00031; TOPMed 0.00060; gnomAD exomes 0.00091; gnomAD 0.00105; ExAC 0.00109.
gnomAD v4.1: 1,342 of 1,613,784 alleles (0.083%); highest among the groups gnomAD compares: Non-Finnish European, 0.099%; 3 homozygotes.

Submissions (4):

Labcorp Genetics (formerly Invitae), Labcorp
Classification: Likely benign for Imerslund-Grasbeck syndrome. Last evaluated: 2025-12-12. Review status: criteria provided, single submitter. Criteria: Invitae Variant Classification Sherloc (09022015). Collection method: clinical testing. Allele origin: germline.

Blueprint Genetics
Classification: Likely benign. Last evaluated: 2024-11-11. Review status: criteria provided, single submitter. Criteria: ACMG Guidelines, 2015. Collection method: clinical testing. Allele origin: germline.

CeGaT Center for Human Genetics Tuebingen
Classification: Likely benign. Last evaluated: 2022-10-01. Review status: criteria provided, single submitter. Criteria: CeGaT Center For Human Genetics Tuebingen Variant Classification Criteria Version 2. Collection method: clinical testing. Allele origin: germline. Affected: yes. Observed: 2 variant alleles.
Comment: CUBN: BP4, BP7

Illumina Laboratory Services, Illumina
Classification: Uncertain significance for Imerslund-Grasbeck syndrome type 1. Last evaluated: 2018-01-13. Review status: criteria provided, single submitter. Criteria: ICSL Variant Classification Criteria 13 December 2019. Collection method: clinical testing. Allele origin: germline.

NM_001081.4(CUBN):c.7509G>A (p.Pro2503=)

Gene: CUBN (cubilin; minus strand). Cytogenetic location: 10p13.
Variant type: single nucleotide variant.
Coding change: c.7509G>A on transcript NM_001081.4 (MANE Select); coding-DNA position 7509, G replaced by A.
Protein change: p.Pro2503=; no amino-acid change (proline 2503 retained).
Molecular consequence: synonymous variant.
Genome position (GRCh38, 1-based): chr10:16,913,835, C>T on the plus strand (G>A on the coding strand, the complement: CUBN is on the minus strand). VCF-style: chr10-16913835-C-T. GRCh37 (hg19) VCF-style: chr10-16955834-C-T.
Identifiers: ClinVar variation 299423 (VCV000299423.49), dbSNP rs201001705, ClinGen allele CA5423343.